The following is an entry in ClinVar:

NM_001368397.1(FRMPD4):c.3838C>G (p.Pro1280Ala)

Gene: FRMPD4 (FERM and PDZ domain containing 4; plus strand). Cytogenetic location: Xp22.2.
Variant type: single nucleotide variant.
Coding change: c.3838C>G on transcript NM_001368397.1 (MANE Select); coding-DNA position 3838, C replaced by G.
Protein change: p.Pro1280Ala; replaces proline 1280 with alanine.
Molecular consequence: missense variant.
Genome position (GRCh38, 1-based): chrX:12,718,664, C>G. VCF-style: chrX-12718664-C-G. GRCh37 (hg19) VCF-style: chrX-12736783-C-G.
Other names: c.3949C>G, p.Pro1317Ala (NM_001368395.3, NM_001368398.3); c.3844C>G, p.Pro1282Ala (NM_001368396.3); c.3829C>G, p.Pro1277Ala (NM_001368399.3); c.3718C>G, p.Pro1240Ala (NM_001368400.3); c.3814C>G, p.Pro1272Ala (NM_001368401.1, NM_001368402.3); c.3838C>G, p.Pro1280Ala (NM_014728.3); short protein forms P1240A, P1272A, P1277A, P1280A, P1282A, P1317A.
Identifiers: ClinVar variation 3893615 (VCV003893615.1).

ClinVar aggregate classification (germline): Uncertain significance (1 of 4 stars; one submission).

Submission:

GeneDx
Classification: Uncertain significance. Last evaluated: 2024-10-28. Review status: criteria provided, single submitter. Criteria: GeneDx Variant Classification Process June 2021. Collection method: clinical testing. Allele origin: germline. Affected: yes.
Comment: Not observed at significant frequency in large population cohorts (gnomAD); In silico analysis indicates that this missense variant does not alter protein structure/function; Has not been previously published as pathogenic or benign to our knowledge